The following is an entry in ClinVar:

ClinVar aggregate classification (germline): Benign (0 of 4 stars; one submission).

Conditions:
CSMD3-related disorder. Also called: CSMD3-related condition.

Allele frequency attached by ClinVar (database versions not stated): 1000 Genomes Project 0.03474; 1000 Genomes Project 30x 0.03529; TOPMed 0.05739; ExAC 0.06120; ESP Exome Variant Server 0.06420.
gnomAD v4.1: 118,285 of 1,581,954 alleles (7.5%); highest among the groups gnomAD compares: Middle Eastern, 11%; 4,997 homozygotes.

Submission:

PreventionGenetics, part of Exact Sciences
Classification: Benign for CSMD3-related condition. Last evaluated: 2019-04-09. Review status: no assertion criteria provided. Collection method: clinical testing. Allele origin: germline.
Comment: This variant is classified as benign based on ACMG/AMP sequence variant interpretation guidelines (Richards et al. 2015 PMID: 25741868, with internal and published modifications).

NM_198123.2(CSMD3):c.5280G>A (p.Ala1760=)

Gene: CSMD3 (CUB and Sushi multiple domains 3; minus strand). Cytogenetic location: 8q23.3.
Variant type: single nucleotide variant.
Coding change: c.5280G>A on transcript NM_198123.2 (MANE Select); coding-DNA position 5280, G replaced by A.
Protein change: p.Ala1760=; no amino-acid change (alanine 1760 retained).
Molecular consequence: synonymous variant.
Genome position (GRCh38, 1-based): chr8:112,472,706, C>T on the plus strand (G>A on the coding strand, the complement: CSMD3 is on the minus strand). VCF-style: chr8-112472706-C-T. GRCh37 (hg19) VCF-style: chr8-113484935-C-T.
Other names: c.4890G>A, p.Ala1630= (NM_001363185.1); c.4968G>A, p.Ala1656= (NM_052900.3); c.5160G>A, p.Ala1720= (NM_198124.2).
Identifiers: ClinVar variation 3055693 (VCV003055693.2), dbSNP rs12155677, ClinGen allele CA4849912.
Genomic context (GRCh38, chr8:112,472,706, plus strand): 5'-TTTTGGATAGTTTGGTGATAGAACAGTGCCTTCTGAACCTGTTGAACGACTTCCACAGGG[C>T]GCTAGGAAAAAATGGCAAAAATATCATTTTTAGAAAAAAGTTTTAAAAAATTCATACCAT-3'
Protein context (NP_937756.1, residues 1750-1770): GWNRALPSCH[Ala1760=]PCGSRSTGSE